The following is an entry in ClinVar:

NM_000135.4(FANCA):c.1716-1G>A

Gene: FANCA (FA complementation group A; minus strand). Cytogenetic location: 16q24.3.
Variant type: single nucleotide variant.
Coding change: c.1716-1G>A on transcript NM_000135.4 (MANE Select); the canonical splice acceptor site of the intron before coding-DNA position 1716, G replaced by A.
Molecular consequence: splice acceptor variant.
Genome position (GRCh38, 1-based): chr16:89,779,004, C>T on the plus strand (G>A on the coding strand, the complement: FANCA is on the minus strand). VCF-style: chr16-89779004-C-T. GRCh37 (hg19) VCF-style: chr16-89845412-C-T.
Other names: c.1716-1G>A (NM_001286167.3).
Identifiers: ClinVar variation 3678548 (VCV003678548.2).

ClinVar aggregate classification (germline): Likely pathogenic (1 of 4 stars; one submission).

Conditions:
Fanconi anemia (FA). Also called: Fanconi's anemia. Identifiers: Orphanet 84, MedGen C0015625, MeSH D005199, MONDO:0019391.

Submission:

Labcorp Genetics (formerly Invitae), Labcorp
Classification: Likely pathogenic for Fanconi anemia. Last evaluated: 2024-11-03. Review status: criteria provided, single submitter. Criteria: Invitae Variant Classification Sherloc (09022015). Collection method: clinical testing. Allele origin: germline.
Comment: This sequence change affects an acceptor splice site in intron 18 of the FANCA gene. It is expected to disrupt RNA splicing. Variants that disrupt the donor or acceptor splice site typically lead to a loss of protein function (PMID: 16199547), and loss-of-function variants in FANCA are known to be pathogenic (PMID: 19367192). This variant is not present in population databases (gnomAD no frequency). This variant has not been reported in the literature in individuals affected with FANCA-related conditions. Algorithms developed to predict the effect of sequence changes on RNA splicing suggest that this variant may disrupt the consensus splice site. In summary, the currently available evidence indicates that the variant is pathogenic, but additional data are needed to prove that conclusively. Therefore, this variant has been classified as Likely Pathogenic.

Literature cited by the submitters: PubMed 16199547; PubMed 19367192.